The following is an entry in ClinVar:

ClinVar aggregate classification (germline): Likely pathogenic (0 of 4 stars; one submission).

Conditions:
Congenital anomalies of kidney and urinary tract 3. Identifiers: MedGen C4748921, MONDO:0032646, OMIM 618270.

Submission:

Laboratorio de Genética, Hospital Universitario Reina Sofía
Classification: Likely pathogenic for Congenital anomalies of kidney and urinary tract 3. Review status: no assertion criteria provided. Collection method: clinical testing. Allele origin: germline. Inheritance: Autosomal dominant inheritance. Affected: yes.
Comment: The NRIP1 c.3203T>C variant segregates with disease in two affected family members (father and son) in a manner consistent with autosomal dominant inheritance (PP1_supporting). The phenotype is highly specific and consistent with NRIP1-related disease. The variant is absent/rare in population databases (PM2_supporting, if applicable) and affects a conserved residue (PP3, if supported by in silico data). Taken together, the available genetic and clinical evidence supports a likely pathogenic role for this variant.

NM_003489.4(NRIP1):c.3203T>C (p.Leu1068Pro)

Gene: NRIP1 (nuclear receptor interacting protein 1; minus strand). Cytogenetic location: 21q11.2.
Variant type: single nucleotide variant.
Coding change: c.3203T>C on transcript NM_003489.4 (MANE Select); coding-DNA position 3203, T replaced by C.
Protein change: p.Leu1068Pro; replaces leucine 1068 with proline.
Molecular consequence: missense variant.
Genome position (GRCh38, 1-based): chr21:14,964,990, A>G on the plus strand (T>C on the coding strand, the complement: NRIP1 is on the minus strand). VCF-style: chr21-14964990-A-G. GRCh37 (hg19) VCF-style: chr21-16337311-A-G.
Other names: c.3203T>C, p.Leu1068Pro (NM_001439275.1, NM_001439276.1, NM_001439277.1 and 10 more transcripts); short protein forms L1068P.
Identifiers: ClinVar variation 4812934 (VCV004812934.1).
Genomic context (GRCh38, chr21:14,964,990, plus strand): 5'-TCCTTGTCTTGTGTTTCTCGACTGGTAACAGAATTGCCTCCTTTTTGAAGCATGTAATAT[A>G]GTATTGGGTTGGTTTTGGTCAATCTTGGAGAGTCTTTTTCATACTCATTCTTCTCCGCAT-3'
Protein context (NP_003480.2, residues 1058-1078): SPRLTKTNPI[Leu1068Pro]YYMLQKGGNS